The following is an entry in ClinVar:

ClinVar aggregate classification (germline): Uncertain significance (1 of 4 stars; one submission).

Conditions:
Inborn genetic diseases. Identifiers: MedGen C0950123, MeSH D030342.

Submission:

Ambry Genetics
Classification: Uncertain significance for Inborn genetic diseases. Last evaluated: 2021-07-08. Review status: criteria provided, single submitter. Criteria: Ambry Variant Classification Scheme 2023. Collection method: clinical testing. Allele origin: germline.
Comment: The p.R19S variant (also known as c.55C>A), located in coding exon 1 of the ACD gene, results from a C to A substitution at nucleotide position 55. The arginine at codon 19 is replaced by serine, an amino acid with dissimilar properties. This amino acid position is conserved. In addition, this alteration is predicted to be tolerated by in silico analysis. Since supporting evidence is limited at this time, the clinical significance of this alteration remains unclear.

NM_001082486.1(ACD):c.55C>A (p.Arg19Ser)

Genes: ACD (ACD shelterin complex subunit and telomerase recruitment factor; minus strand), LOC130059224 (ATAC-STARR-seq lymphoblastoid silent region 7617; plus strand). Cytogenetic location: 16q22.1.
Variant type: single nucleotide variant.
Coding change: c.55C>A on transcript NM_001082486.1; coding-DNA position 55, C replaced by A.
Protein change: p.Arg19Ser; replaces arginine 19 with serine.
Genome position (GRCh38, 1-based): chr16:67,660,424, G>T on the plus strand (C>A on the coding strand, the complement: ACD is on the minus strand). VCF-style: chr16-67660424-G-T. GRCh37 (hg19) VCF-style: chr16-67694327-G-T.
Other names: short protein forms R19S.
Identifiers: ClinVar variation 1748548 (VCV001748548.2), dbSNP rs777972235, ClinGen allele CA396360028.